The following is an entry in ClinVar:

NM_000138.5(FBN1):c.2869A>G (p.Thr957Ala)

Gene: FBN1 (fibrillin 1; minus strand). Cytogenetic location: 15q21.1.
Variant type: single nucleotide variant.
Coding change: c.2869A>G on transcript NM_000138.5 (MANE Select); coding-DNA position 2869, A replaced by G.
Protein change: p.Thr957Ala; replaces threonine 957 with alanine.
Molecular consequence: missense variant.
Genome position (GRCh38, 1-based): chr15:48,490,064, T>C on the plus strand (A>G on the coding strand, the complement: FBN1 is on the minus strand). VCF-style: chr15-48490064-T-C. GRCh37 (hg19) VCF-style: chr15-48782261-T-C.
Other names: c.2869A>G, p.Thr957Ala (NM_001406716.1); short protein forms T957A.
Identifiers: ClinVar variation 3893802 (VCV003893802.1).

ClinVar aggregate classification (germline): Uncertain significance (1 of 4 stars; one submission).

Conditions:
Familial thoracic aortic aneurysm and aortic dissection (TAAD). Also called: Thoracic aortic aneurysms and dissections. Identifiers: Orphanet 91387, MedGen C4707243, MONDO:0019625.

Submission:

Color Diagnostics, LLC DBA Color Health
Classification: Uncertain significance for Familial thoracic aortic aneurysm and aortic dissection. Last evaluated: 2024-05-04. Review status: criteria provided, single submitter. Criteria: ACMG Guidelines, 2015. Collection method: clinical testing. Allele origin: germline.
Comment: This missense variant replaces threonine with alanine at codon 957 of the FBN1 protein. Computational prediction suggests that this variant may not impact protein structure and function (internally defined REVEL score threshold <= 0.5, PMID: 27666373). To our knowledge, functional studies have not been reported for this variant. This variant has not been reported in individuals affected with FBN1-related disorders in the literature. This variant has not been identified in the general population by the Genome Aggregation Database (gnomAD). The available evidence is insufficient to determine the role of this variant in disease conclusively. Therefore, this variant is classified as a Variant of Uncertain Significance.